The following is an entry in ClinVar:

ClinVar aggregate classification (germline): Uncertain significance. Review status: criteria provided, multiple submitters, no conflicts (2 of 4 stars). 2 submissions from 2 submitters: Uncertain significance (2). Last evaluated 2024-04-06.

Conditions:
Inborn genetic diseases. Identifiers: MedGen C0950123, MeSH D030342.
Intellectual developmental disorder, autosomal dominant 52. Also called: Mental retardation, autosomal dominant 52; Intellectual disability, autosomal dominant 52. Identifiers: MedGen C4540478, MONDO:0030918, OMIM 617796.

Allele frequency attached by ClinVar (database versions not stated): gnomAD 0.00001.
gnomAD v4.1: 2 of 1,614,044 alleles (0.00012%); highest among the groups gnomAD compares: Admixed American, 0.0017%; no homozygotes.

Submissions (2):

Ambry Genetics
Classification: Uncertain significance for Inborn genetic diseases. Last evaluated: 2024-04-06. Review status: criteria provided, single submitter. Criteria: Ambry Variant Classification Scheme 2023. Collection method: clinical testing. Allele origin: germline.

New York Genome Center
Classification: Uncertain significance for Intellectual developmental disorder, autosomal dominant 52. Last evaluated: 2020-11-21. Review status: criteria provided, single submitter. Criteria: NYGC Assertion Criteria 2020. Collection method: clinical testing. Allele origin: germline. Observed: 1 heterozygote. Study: CSER-NYCKidSeq.
Comment: The c.3170C>G (p.Thr1057Ser) missense variant in exon 3 of 28 of ASH1L has not been reported in affected individuals in the available literature. This variant is present in gnomADv3 at a very low frequency (1/152188 allele, allele frequency= 0.000006571; no homozygoytes) indicating it is not a common benign variant in the populations represented in this database. In silico predictors suggest this variant is Benign(REVEL; score: -0.266) and Tolerated (SIFT; score: 0.059). Given the current evidences regarding its pathogenicity, the c.3170C>G (p.Thr1057Ser) variant identified in the ASH1L gene is reported as a Variant of Uncertain Significance.

NM_018489.3(ASH1L):c.3170C>G (p.Thr1057Ser)

Gene: ASH1L (ASH1 like histone lysine methyltransferase; minus strand). Cytogenetic location: 1q22.
Variant type: single nucleotide variant.
Coding change: c.3170C>G on transcript NM_018489.3 (MANE Select); coding-DNA position 3170, C replaced by G.
Protein change: p.Thr1057Ser; replaces threonine 1057 with serine.
Molecular consequence: missense variant.
Genome position (GRCh38, 1-based): chr1:155,479,700, G>C on the plus strand (C>G on the coding strand, the complement: ASH1L is on the minus strand). VCF-style: chr1-155479700-G-C. GRCh37 (hg19) VCF-style: chr1-155449491-G-C.
Other names: c.3170C>G (NM_018489.2); c.3170C>G, p.Thr1057Ser (NM_001366177.2); short protein forms T1057S.
Identifiers: ClinVar variation 1213726 (VCV001213726.2), dbSNP rs1665818268, ClinGen allele CA342714223.